The following is an entry in ClinVar:

ClinVar aggregate classification (germline): Conflicting classifications of pathogenicity. Review status: criteria provided, conflicting classifications (1 of 4 stars). 2 submissions from 2 submitters: Uncertain significance (1); Likely benign (1). Last evaluated 2025-05-07.

Conditions:
PKHD1-related disorder. Also called: PKHD1-related condition.

Allele frequency attached by ClinVar (database versions not stated): gnomAD 0.00001; TOPMed 0.00001; ESP Exome Variant Server 0.00008.
gnomAD v4.1: 8 of 1,600,412 alleles (0.0005%); highest among the groups gnomAD compares: South Asian, 0.0066%; no homozygotes.

Submissions (2):

PreventionGenetics, part of Exact Sciences
Classification: Likely benign for PKHD1-related condition. Last evaluated: 2025-05-07. Review status: criteria provided, single submitter. Criteria: ACMG Guidelines, 2015. Collection method: clinical testing. Allele origin: germline.
Comment: This variant is classified as likely benign based on ACMG/AMP sequence variant interpretation guidelines (Richards et al. 2015 PMID: 25741868, with internal and published modifications).

Women's Health and Genetics/Laboratory Corporation of America, LabCorp
Classification: Uncertain significance. Last evaluated: 2024-04-14. Review status: criteria provided, single submitter. Criteria: LabCorp Variant Classification Summary - May 2015. Collection method: clinical testing. Allele origin: germline.

NM_138694.4(PKHD1):c.8173+3G>A

Gene: PKHD1 (PKHD1 ciliary IPT domain containing fibrocystin/polyductin; minus strand). Cytogenetic location: 6p12.2.
Variant type: single nucleotide variant.
Coding change: c.8173+3G>A on transcript NM_138694.4 (MANE Select); 3 bases into the intron after coding-DNA position 8173, G replaced by A.
Molecular consequence: intron variant.
Genome position (GRCh38, 1-based): chr6:51,836,401, C>T on the plus strand (G>A on the coding strand, the complement: PKHD1 is on the minus strand). VCF-style: chr6-51836401-C-T. GRCh37 (hg19) VCF-style: chr6-51701199-C-T.
Other names: c.8173+3G>A (NM_170724.3, NM_138694.3).
Identifiers: ClinVar variation 3251304 (VCV003251304.2), dbSNP rs372324070.